The following is an entry in ClinVar:

ClinVar aggregate classification (germline): Uncertain significance (1 of 4 stars; one submission).

Conditions:
CREBBP-related disorder. Also called: CREBBP-related disorders; CREBBP-related condition.

gnomAD v4.1: 3 of 1,613,994 alleles (0.00019%); highest among the groups gnomAD compares: Middle Eastern, 0.033%; no homozygotes.

Submission:

PreventionGenetics, part of Exact Sciences
Classification: Uncertain significance for CREBBP-related condition. Last evaluated: 2026-06-10. Review status: criteria provided, single submitter. Criteria: ACMG Guidelines, 2015. Collection method: clinical testing. Allele origin: germline.
Comment: The CREBBP c.3113T>G variant is predicted to result in the amino acid substitution p.Ile1038Arg. To our knowledge, this variant has not been reported in the literature. This variant is reported in 0.0046% of alleles in individuals of European (Finnish) descent in gnomAD. At this time, the clinical significance of this variant is uncertain due to the absence of conclusive functional and genetic evidence.

NM_004380.3(CREBBP):c.3113T>G (p.Ile1038Arg)

Gene: CREBBP (CREB binding lysine acetyltransferase; minus strand). Cytogenetic location: 16p13.3.
Variant type: single nucleotide variant.
Coding change: c.3113T>G on transcript NM_004380.3 (MANE Select); coding-DNA position 3113, T replaced by G.
Protein change: p.Ile1038Arg; replaces isoleucine 1038 with arginine.
Molecular consequence: missense variant.
Genome position (GRCh38, 1-based): chr16:3,767,857, A>C on the plus strand (T>G on the coding strand, the complement: CREBBP is on the minus strand). VCF-style: chr16-3767857-A-C. GRCh37 (hg19) VCF-style: chr16-3817858-A-C.
Other names: c.2999T>G, p.Ile1000Arg (NM_001079846.1); short protein forms I1038R, I1000R.
Identifiers: ClinVar variation 4980367 (VCV004980367.1).
Genomic context (GRCh38, chr16:3,767,857, plus strand): 5'-TCTACTTTCACTTCAGGTTTCTTTTCATCCACTTCCATTGGTTCTGATTTCTGCTCTGCT[A>C]TGTCTGTTTCTTCTTTAACTTGGGAAGCTCCTTGCAAATCCTCCTCCATCATCTTGAGAA-3'
Protein context (NP_004371.2, residues 1028-1048): GASQVKEETD[Ile1038Arg]AEQKSEPMEV